The following is an entry in ClinVar:

ClinVar aggregate classification (germline): Pathogenic (1 of 4 stars; one submission).

Conditions:
Anophthalmia/microphthalmia-esophageal atresia syndrome (MCOPS3). Also called: SOX2 Disorder; MICROPHTHALMIA AND ESOPHAGEAL ATRESIA SYNDROME; AEG SYNDROME. Identifiers: Orphanet 77298, MedGen C1859773, MONDO:0008799, OMIM 206900.

Submission:

Labcorp Genetics (formerly Invitae), Labcorp
Classification: Pathogenic for Anophthalmia/microphthalmia-esophageal atresia syndrome. Last evaluated: 2022-05-19. Review status: criteria provided, single submitter. Criteria: Invitae Variant Classification Sherloc (09022015). Collection method: clinical testing. Allele origin: unknown.
Comment: A gross deletion of the genomic region encompassing the full coding sequence of the SOX2 gene has been identified. Loss-of-function variants in SOX2 are known to be pathogenic (PMID: 17522144, 19921648, 22382802). The boundaries of this event are unknown as they extend beyond the assayed region for this gene and therefore may encompass additional genes. A similar copy number variant has been observed in individual(s) with microphthalmia, anophthalmia, and/or other ocular abnormalities (PMID: 17522144, 23701296, 24804704). For these reasons, this variant has been classified as Pathogenic.

Literature cited by the submitters: PubMed 17522144; PubMed 19921648; PubMed 22382802; PubMed 23701296; PubMed 24804704.

NC_000003.11:g.(?_180702428)_(181592675_?)del

Genes: SOX2 (SRY-box transcription factor 2; plus strand), DNAJC19 (DnaJ heat shock protein family (Hsp40) member C19; minus strand), SOX2-OT (SOX2 overlapping transcript; plus strand). Cytogenetic location: 3q26.33.
Variant type: Deletion.
Identifiers: ClinVar variation 3246890 (VCV003246890.1).